The following is an entry in ClinVar:

NM_022437.3(ABCG8):c.99C>T (p.Asp33=)

Gene: ABCG8 (ATP binding cassette subfamily G member 8; plus strand). Cytogenetic location: 2p21.
Variant type: single nucleotide variant.
Coding change: c.99C>T on transcript NM_022437.3 (MANE Select); coding-DNA position 99, C replaced by T.
Protein change: p.Asp33=; no amino-acid change (aspartic acid 33 retained).
Molecular consequence: synonymous variant.
Genome position (GRCh38, 1-based): chr2:43,844,542, C>T. VCF-style: chr2-43844542-C-T. GRCh37 (hg19) VCF-style: chr2-44071681-C-T.
Other names: c.99C>T, p.Asp33= (NM_001357321.2).
Identifiers: ClinVar variation 3061603 (VCV003061603.2), dbSNP rs746154054, ClinGen allele CA1636888.

ClinVar aggregate classification (germline): Likely benign (0 of 4 stars; one submission).

Conditions:
ABCG8-related disorder. Also called: ABCG8-related condition.

Allele frequency attached by ClinVar (database versions not stated): ExAC 0.00002.

Submission:

PreventionGenetics, part of Exact Sciences
Classification: Likely benign for ABCG8-related condition. Last evaluated: 2021-05-08. Review status: no assertion criteria provided. Collection method: clinical testing. Allele origin: germline.
Comment: This variant is classified as likely benign based on ACMG/AMP sequence variant interpretation guidelines (Richards et al. 2015 PMID: 25741868, with internal and published modifications).